The following is an entry in ClinVar:

ClinVar aggregate classification (germline): Uncertain significance (1 of 4 stars; one submission).

Submission:

Greenwood Genetic Center Diagnostic Laboratories, Greenwood Genetic Center
Classification: Uncertain significance. Last evaluated: 2024-08-21. Review status: criteria provided, single submitter. Criteria: ACMG Guidelines, 2015. Collection method: clinical testing. Allele origin: germline. Affected: yes.
Comment: PM2, BP4

NM_001042475.3(CEP85L):c.1529C>A (p.Thr510Asn)

Gene: CEP85L (centrosomal protein 85 like; minus strand). Cytogenetic location: 6q22.31.
Variant type: single nucleotide variant.
Coding change: c.1529C>A on transcript NM_001042475.3 (MANE Select); coding-DNA position 1529, C replaced by A.
Protein change: p.Thr510Asn; replaces threonine 510 with asparagine.
Molecular consequence: missense variant.
Genome position (GRCh38, 1-based): chr6:118,483,767, G>T on the plus strand (C>A on the coding strand, the complement: CEP85L is on the minus strand). VCF-style: chr6-118483767-G-T. GRCh37 (hg19) VCF-style: chr6-118804930-G-T.
Other names: c.1538C>A, p.Thr513Asn (NM_001178035.2); short protein forms T510N, T513N.
Identifiers: ClinVar variation 3765602 (VCV003765602.1).